The following is an entry in ClinVar:

ClinVar aggregate classification (germline): Uncertain significance (1 of 4 stars; one submission).

Allele frequency attached by ClinVar (database versions not stated): ExAC 0.00001.
gnomAD v4.1: 2 of 1,614,060 alleles (0.00012%); highest among the groups gnomAD compares: Admixed American, 0.0017%; no homozygotes.

Submission:

Labcorp Genetics (formerly Invitae), Labcorp
Classification: Uncertain significance. Last evaluated: 2022-08-15. Review status: criteria provided, single submitter. Criteria: Invitae Variant Classification Sherloc (09022015). Collection method: clinical testing. Allele origin: germline.
Comment: This sequence change replaces glutamic acid, which is acidic and polar, with lysine, which is basic and polar, at codon 1757 of the GPR179 protein (p.Glu1757Lys). This variant is present in population databases (rs777417674, gnomAD 0.003%). This variant has not been reported in the literature in individuals affected with GPR179-related conditions. Algorithms developed to predict the effect of missense changes on protein structure and function output the following: SIFT: "Deleterious"; PolyPhen-2: "Possibly Damaging"; Align-GVGD: "Class C0". The lysine amino acid residue is found in multiple mammalian species, which suggests that this missense change does not adversely affect protein function. In summary, the available evidence is currently insufficient to determine the role of this variant in disease. Therefore, it has been classified as a Variant of Uncertain Significance.

NM_001004334.4(GPR179):c.5269G>A (p.Glu1757Lys)

Gene: GPR179 (G protein-coupled receptor 179; minus strand). Cytogenetic location: 17q12.
Variant type: single nucleotide variant.
Coding change: c.5269G>A on transcript NM_001004334.4 (MANE Select); coding-DNA position 5269, G replaced by A.
Protein change: p.Glu1757Lys; replaces glutamic acid 1757 with lysine.
Molecular consequence: missense variant.
Genome position (GRCh38, 1-based): chr17:38,328,300, C>T on the plus strand (G>A on the coding strand, the complement: GPR179 is on the minus strand). VCF-style: chr17-38328300-C-T. GRCh37 (hg19) VCF-style: chr17-36484183-C-T.
Other names: short protein forms E1757K.
Identifiers: ClinVar variation 1949231 (VCV001949231.2), dbSNP rs777417674, ClinGen allele CA290103670.